The following is an entry in ClinVar:

NM_024301.5(FKRP):c.803T>G (p.Leu268Arg)

Gene: FKRP (fukutin related protein; plus strand). Cytogenetic location: 19q13.32.
Variant type: single nucleotide variant.
Coding change: c.803T>G on transcript NM_024301.5 (MANE Select); coding-DNA position 803, T replaced by G.
Protein change: p.Leu268Arg; replaces leucine 268 with arginine.
Molecular consequence: missense variant.
Genome position (GRCh38, 1-based): chr19:46,756,253, T>G. VCF-style: chr19-46756253-T-G. GRCh37 (hg19) VCF-style: chr19-47259510-T-G.
Other names: c.803T>G, p.Leu268Arg (NM_001039885.3); short protein forms L268R.
Identifiers: ClinVar variation 284689 (VCV000284689.6), dbSNP rs886042921, ClinGen allele CA10604872.
Genomic context (GRCh38, chr19:46,756,253, plus strand): 5'-TGGCCACGGCCCACGCGCGCTGGAAGGCTGAGCGCGAGGGACGCGCTCGGCGGGCGGCGC[T>G]GCTCCGCGCGCTGGGCATCCGCCTAGTGAGCTGGGAAGGCGGGCGGCTGGAGTGGTTCGG-3'
Protein context (NP_077277.1, residues 258-278): EREGRARRAA[Leu268Arg]LRALGIRLVS

ClinVar aggregate classification (germline): Uncertain significance. Review status: criteria provided, multiple submitters, no conflicts (2 of 4 stars). 2 submissions from 2 submitters: Uncertain significance (2). Last evaluated 2022-04-29.

Conditions:
Walker-Warburg congenital muscular dystrophy. Also called: Muscular dystrophy-dystroglycanopathy, type A; Walker-Warburg syndrome. Identifiers: Orphanet 899, MedGen C0265221, MONDO:0000171.

Allele frequency attached by ClinVar (database versions not stated): gnomAD 0.00001.
gnomAD v4.1: 2 of 1,475,590 alleles (0.00014%); highest among the groups gnomAD compares: Admixed American, 0.0046%; no homozygotes.

Submissions (2):

Labcorp Genetics (formerly Invitae), Labcorp
Classification: Uncertain significance for Walker-Warburg congenital muscular dystrophy. Last evaluated: 2022-04-29. Review status: criteria provided, single submitter. Criteria: Invitae Variant Classification Sherloc (09022015). Collection method: clinical testing. Allele origin: germline.
Comment: This sequence change replaces leucine, which is neutral and non-polar, with arginine, which is basic and polar, at codon 268 of the FKRP protein (p.Leu268Arg). This variant is not present in population databases (gnomAD no frequency). This missense change has been observed in individual(s) with clinical features of FKRP-related conditions (PMID: 30564623). ClinVar contains an entry for this variant (Variation ID: 284689). Algorithms developed to predict the effect of missense changes on protein structure and function are either unavailable or do not agree on the potential impact of this missense change (SIFT: "Deleterious"; PolyPhen-2: "Possibly Damaging"; Align-GVGD: "Class C0"). In summary, the available evidence is currently insufficient to determine the role of this variant in disease. Therefore, it has been classified as a Variant of Uncertain Significance.

Eurofins Ntd Llc (ga)
Classification: Uncertain significance. Last evaluated: 2015-11-06. Review status: criteria provided, single submitter. Criteria: EGL Classification Definitions 2015. Collection method: clinical testing. Allele origin: germline. Observed: 1 variant allele, 1 heterozygote.

Literature cited by the submitters: PubMed 30564623 (cited by Labcorp Genetics (formerly Invitae), Labcorp).